The following is an entry in ClinVar:

ClinVar aggregate classification (germline): Benign. Review status: criteria provided, multiple submitters, no conflicts (2 of 4 stars). 6 submissions from 6 submitters: Benign (5). 1 of the submissions does not count toward it. Last evaluated 2026-09-01.

Conditions:
RBBP8-related disorder. Also called: RBBP8-related condition; RBBP8-Related Disorders. Identifiers: MedGen CN239300.

Allele frequency attached by ClinVar (database versions not stated): 1000 Genomes Project 30x 0.00250; 1000 Genomes Project 0.00260; ExAC 0.00708; gnomAD exomes 0.00714 and 0.01188; TOPMed 0.00732; gnomAD 0.00813 and 0.00834; ESP Exome Variant Server 0.00853.

Submissions (6):

CeGaT Center for Human Genetics Tuebingen
Classification: Benign. Last evaluated: 2026-09-01. Review status: criteria provided, single submitter. Criteria: CeGaT Center For Human Genetics Tuebingen Variant Classification Criteria Version 2. Collection method: clinical testing. Allele origin: germline. Affected: yes. Observed: 22 variant alleles.
Comment: RBBP8: BP4, BS1, BS2

Labcorp Genetics (formerly Invitae), Labcorp
Classification: Benign. Last evaluated: 2026-02-03. Review status: criteria provided, single submitter. Criteria: Invitae Variant Classification Sherloc (09022015). Collection method: clinical testing. Allele origin: germline.

GeneDx
Classification: Benign. Last evaluated: 2016-08-05. Review status: criteria provided, single submitter. Criteria: GeneDx Variant Classification (06012015). Collection method: clinical testing. Allele origin: germline. Affected: yes.
Comment: This variant is considered likely benign or benign based on one or more of the following criteria: it is a conservative change, it occurs at a poorly conserved position in the protein, it is predicted to be benign by multiple in silico algorithms, and/or has population frequency not consistent with disease.

Genetic Services Laboratory, University of Chicago
Classification: Benign for AllHighlyPenetrant. Last evaluated: 2013-09-19. Review status: criteria provided, single submitter. Criteria: ACMG Guidelines, 2007. Collection method: clinical testing. Allele origin: germline. Inheritance: Autosomal recessive inheritance.

Breakthrough Genomics
Classification: Benign. Review status: criteria provided, single submitter. Criteria: ACMG Guidelines, 2015. Collection method: not provided. Allele origin: germline. Inheritance: Autosomal recessive inheritance. Affected: yes.

PreventionGenetics, part of Exact Sciences
Classification: Benign for RBBP8-related condition. Last evaluated: 2019-09-11. Review status: no assertion criteria provided. Collection method: clinical testing. Allele origin: germline. Not counted in ClinVar's aggregate classification.
Comment: This variant is classified as benign based on ACMG/AMP sequence variant interpretation guidelines (Richards et al. 2015 PMID: 25741868, with internal and published modifications).

NM_002894.3(RBBP8):c.1766G>A (p.Arg589His)

Gene: RBBP8 (RB binding protein 8, endonuclease; plus strand). Cytogenetic location: 18q11.2.
Variant type: single nucleotide variant.
Coding change: c.1766G>A on transcript NM_002894.3 (MANE Select); coding-DNA position 1766, G replaced by A.
Protein change: p.Arg589His; replaces arginine 589 with histidine.
Molecular consequence: missense variant.
Genome position (GRCh38, 1-based): chr18:22,993,593, G>A. VCF-style: chr18-22993593-G-A. GRCh37 (hg19) VCF-style: chr18-20573556-G-A.
Other names: c.1766G>A, p.Arg589His (NM_203291.2, NM_203292.2); short protein forms R589H.
Identifiers: ClinVar variation 130105 (VCV000130105.42), dbSNP rs111445733, ClinGen allele CA154893.